The following is an entry in ClinVar:

ClinVar aggregate classification (germline): Uncertain significance (1 of 4 stars; one submission).

Conditions:
Catecholaminergic polymorphic ventricular tachycardia (CVPT). Also called: Catecholamine-induced polymorphic ventricular tachycardia. Identifiers: Orphanet 3286, MedGen C5574922, MONDO:0017990.

Submission:

All of Us Research Program, National Institutes of Health
Classification: Uncertain significance for Catecholaminergic polymorphic ventricular tachycardia. Last evaluated: 2024-08-30. Review status: criteria provided, single submitter. Criteria: ACMG Guidelines, 2015. Collection method: clinical testing. Allele origin: germline. Inheritance: Autosomal dominant inheritance. Observed: 1 variant allele, 1 heterozygote.
Comment: This missense variant replaces phenylalanine with leucine at codon 723 of the RYR2 protein. Computational prediction suggests that this variant may not impact protein structure and function (internally defined REVEL score threshold <= 0.5, PMID: 27666373). To our knowledge, functional studies have not been reported for this variant. This variant has not been reported in individuals affected with RYR2-related disorders in the literature. This variant has not been identified in the general population by the Genome Aggregation Database (gnomAD). The available evidence is insufficient to determine the role of this variant in disease conclusively. Therefore, this variant is classified as a Variant of Uncertain Significance.

This study involves interpretation of variants in research participants for the purpose of population health screening. Participant phenotype was not available at the time of variant classification. Additional details can be found in publication PMID: 35346344, PMCID: PMC8962531

NM_001035.3(RYR2):c.2169C>A (p.Phe723Leu)

Gene: RYR2 (ryanodine receptor 2; plus strand). Cytogenetic location: 1q43.
Variant type: single nucleotide variant.
Coding change: c.2169C>A on transcript NM_001035.3 (MANE Select); coding-DNA position 2169, C replaced by A.
Protein change: p.Phe723Leu; replaces phenylalanine 723 with leucine.
Molecular consequence: missense variant.
Genome position (GRCh38, 1-based): chr1:237,496,718, C>A. VCF-style: chr1-237496718-C-A. GRCh37 (hg19) VCF-style: chr1-237660018-C-A.
Other names: short protein forms F723L.
Identifiers: ClinVar variation 3385686 (VCV003385686.1).
Genomic context (GRCh38, chr1:237,496,718, plus strand): 5'-TTCTCCCTACCCTGGAGGGGGCGAAGAGTGGGGTGGAAATGGTGTTGGAGATGATCTCTT[C>A]TCCTATGGATTTGATGGCCTTCATCTCTGGTCAGGTACGTACTATCCATTTTCTTTCACC-3'
Protein context (NP_001026.2, residues 713-733): WGGNGVGDDL[Phe723Leu]SYGFDGLHLW